The following is an entry in ClinVar:

NM_002691.4(POLD1):c.-2+13dup

Gene: POLD1 (DNA polymerase delta 1, catalytic subunit; plus strand). Cytogenetic location: 19q13.33.
Variant type: Duplication.
Coding change: c.-2+13dup on transcript NM_002691.4 (MANE Select); 13 bases into the intron after 2 bases upstream of the start codon, one base duplicated (G; older notation c.-2+13dupG).
Molecular consequence: intron variant.
Genome position (GRCh38, 1-based): chr19:50,384,403, G duplicated; the last of 4 consecutive G bases (chr19:50,384,400-50,384,403); duplicating any one gives the same sequence. VCF-style (leftmost placement, unchanged base first): chr19-50384399-A-AG. GRCh37 (hg19) VCF-style: chr19-50887656-A-AG.
Other names: c.-2+13dupG (NM_002691.3); c.-5+13dup (NM_001256849.1).
Identifiers: ClinVar variation 508949 (VCV000508949.1), dbSNP rs1555786769, ClinGen allele CA658799289.
Genomic context (GRCh38, chr19:50,384,399, plus strand): 5'-AGTCAGGGGTCACGGCGGCGTAGGCTGTGGCGGGAAACGCTGTTTGAAGCGGGTGAGTAG[A>AG]GGGGAAAAAGGGAGTTCGGGGCAGTGGGCCTGGTAGGGAACGGGGCTTGAGCAGCCAGGC-3'

ClinVar aggregate classification (germline): Likely benign (1 of 4 stars; one submission).

Submission:

GeneDx
Classification: Likely benign. Last evaluated: 2017-04-12. Review status: criteria provided, single submitter. Criteria: GeneDx Variant Classification (06012015). Collection method: clinical testing. Allele origin: germline. Affected: yes.
Comment: This variant is considered likely benign or benign based on one or more of the following criteria: it is a conservative change, it occurs at a poorly conserved position in the protein, it is predicted to be benign by multiple in silico algorithms, and/or has population frequency not consistent with disease.